The following is an entry in ClinVar:

NM_000203.5(IDUA):c.355G>T (p.Asp119Tyr)

Gene: IDUA (alpha-L-iduronidase; plus strand). Cytogenetic location: 4p16.3.
Variant type: single nucleotide variant.
Coding change: c.355G>T on transcript NM_000203.5 (MANE Select); coding-DNA position 355, G replaced by T.
Protein change: p.Asp119Tyr; replaces aspartic acid 119 with tyrosine.
Molecular consequence: missense variant. On other transcripts: 5 prime UTR variant (1), non-coding transcript variant (1).
Genome position (GRCh38, 1-based): chr4:1,000,667, G>T. VCF-style: chr4-1000667-G-T. GRCh37 (hg19) VCF-style: chr4-994455-G-T.
Other names: NM_000203.5(IDUA):c.355G>T; p.Asp119Tyr; c.-42G>T (NM_001363576.1); short protein forms D119Y.
Identifiers: ClinVar variation 2432701 (VCV002432701.3), dbSNP rs765255638, ClinGen allele CA2801882.

ClinVar aggregate classification (germline): Uncertain significance. Review status: reviewed by expert panel (3 of 4 stars). 2 submissions from 2 submitters: Uncertain significance (1). 1 of the submissions does not count toward it. Last evaluated 2025-10-06.

Conditions:
Mucopolysaccharidosis type 1. Also called: IDUA deficiency; MPS I. Identifiers: Orphanet 579, MedGen C0023786, MONDO:0001586.

Allele frequency attached by ClinVar (database versions not stated): ExAC 0.00002; gnomAD exomes below 0.00001.

Submissions (2):

ClinGen Lysosomal Storage Disorder Variant Curation Expert Panel
Classification: Uncertain significance for Mucopolysaccharidosis type 1. Last evaluated: 2025-10-06. Review status: reviewed by expert panel. Criteria: ClinGen LSD ACMG Specifications IDUA V1.1.0. Collection method: curation. Allele origin: germline. Inheritance: Autosomal recessive inheritance.
Comment: The NM_000203.5:c.355G>T variant in IDUA is a missense variant predicted to cause substitution of aspartate by tyrosine at amino acid 119 (p.Asp119Tyr). Four infants with this variant were identified by newborn screening, GAG testing was either negative, or 2-D EP results showed a distinct dermatan sulfate but a faint heparan sulfate pattern in the 2 affected infants and another (carrier suspected) was normal. (PMID: 33578874, PMID: 37516270, PMID: 29801497). Insufficient evidence to apply PP4. These infants were compound heterozygous for the variant and another variant in IDUA. For one of these infants, the second variant confirmed in trans is benign based on classification by the LD VCEP, c.99T>G (p.H33Q) (ClinVarID:92651). For the remaining infants, the second variants were c.767T>C (p.L256P) (ClinVarID:92648) and c.617C>T (p.S206L) (ClinVarID:1436435). These variants have not yet been classified by the LD VCEP. PM3 not met. The highest population minor allele frequency in gnomAD v4.1.0 is 0.000067 (3/44896 alleles) in the East Asian population, which is lower than the ClinGen Lysosomal Diseases VCEP’s threshold for PM2_Supporting (<0.00025), meeting this criterion (PM2_Supporting). The computational predictor REVEL gives a score of 0.89 which is above the threshold of 0.773, evidence that correlates with impact to IDUA function at the moderate level based on the specifications of the ClinGen Lysosomal Diseases VCEP (PMID: 36413997) (PP3_Moderate). SpliceAI predicts that the variant has no impact on splicing (all scores <0.1). There is a ClinVar entry for this variant (ClinVarID: 2432701). In summary, this variant meets the criteria to be classified as a variant of uncertain significance (VUS) for MPS I. IDUA-specific ACMG/AMP criteria applied, as specified by the ClinGen Lysosomal Diseases Variant Curation Expert Panel (Specifications Version 1.1.0): PM2_supporting, PP3_moderate (Classification approved by the ClinGen Lysosomal Diseases Variant Curation Expert Panel on October 6, 2025)

Revvity Omics, Revvity
Classification: Uncertain significance. Last evaluated: 2021-03-15. Review status: criteria provided, single submitter. Criteria: ACMG Guidelines, 2015. Collection method: clinical testing. Allele origin: germline. Not counted in ClinVar's aggregate classification.